The following is an entry in ClinVar:

NM_024685.4(BBS10):c.1133C>T (p.Ser378Phe)

Gene: BBS10 (Bardet-Biedl syndrome 10; minus strand). Cytogenetic location: 12q21.2.
Variant type: single nucleotide variant.
Coding change: c.1133C>T on transcript NM_024685.4 (MANE Select); coding-DNA position 1133, C replaced by T.
Protein change: p.Ser378Phe; replaces serine 378 with phenylalanine.
Molecular consequence: missense variant.
Genome position (GRCh38, 1-based): chr12:76,346,852, G>A on the plus strand (C>T on the coding strand, the complement: BBS10 is on the minus strand). VCF-style: chr12-76346852-G-A. GRCh37 (hg19) VCF-style: chr12-76740632-G-A.
Other names: short protein forms S378F.
Identifiers: ClinVar variation 1043167 (VCV001043167.6), dbSNP rs1951763168, ClinGen allele CA385812636.

ClinVar aggregate classification (germline): Uncertain significance (1 of 4 stars; one submission).

Conditions:
Bardet-Biedl syndrome (BBS). Identifiers: Orphanet 110, MedGen C0752166, MONDO:0015229.

Submission:

Labcorp Genetics (formerly Invitae), Labcorp
Classification: Uncertain significance for Bardet-Biedl syndrome. Last evaluated: 2021-08-31. Review status: criteria provided, single submitter. Criteria: Invitae Variant Classification Sherloc (09022015). Collection method: clinical testing. Allele origin: germline.
Comment: This sequence change replaces serine with phenylalanine at codon 378 of the BBS10 protein (p.Ser378Phe). The serine residue is highly conserved and there is a large physicochemical difference between serine and phenylalanine. This variant is not present in population databases (ExAC no frequency). This missense change has been observed in individual(s) with clinical features of BBS10-related conditions (Invitae). In at least one individual the data is consistent with the variant being in trans (on the opposite chromosome) from a pathogenic variant. Algorithms developed to predict the effect of missense changes on protein structure and function are either unavailable or do not agree on the potential impact of this missense change (SIFT: "Deleterious"; PolyPhen-2: "Probably Damaging"; Align-GVGD: "Class C15"). In summary, the available evidence is currently insufficient to determine the role of this variant in disease. Therefore, it has been classified as a Variant of Uncertain Significance.